The following is an entry in ClinVar:

ClinVar aggregate classification (germline): Uncertain significance (1 of 4 stars; one submission).

Conditions:
Hereditary cancer-predisposing syndrome. Also called: Neoplastic Syndromes, Hereditary; Tumor predisposition; Hereditary Cancer Syndrome; Hereditary neoplastic syndrome. Identifiers: Orphanet 140162, MedGen C0027672, MeSH D009386, MONDO:0015356.

Submission:

Ambry Genetics
Classification: Uncertain significance for Hereditary cancer-predisposing syndrome. Last evaluated: 2025-09-09. Review status: criteria provided, single submitter. Criteria: Ambry Variant Classification Scheme 2023. Collection method: clinical testing. Allele origin: germline.
Comment: The p.K269E variant (also known as c.805A>G), located in coding exon 8 of the NF2 gene, results from an A to G substitution at nucleotide position 805. The lysine at codon 269 is replaced by glutamic acid, an amino acid with similar properties. This amino acid position is conserved. In addition, this alteration is predicted to be deleterious by in silico analysis. Based on the available evidence, the clinical significance of this variant remains unclear.

NM_000268.4(NF2):c.805A>G (p.Lys269Glu)

Gene: NF2 (NF2, moesin-ezrin-radixin like (MERLIN) tumor suppressor; plus strand). Cytogenetic location: 22q12.2.
Variant type: single nucleotide variant.
Coding change: c.805A>G on transcript NM_000268.4 (MANE Select); coding-DNA position 805, A replaced by G.
Protein change: p.Lys269Glu; replaces lysine 269 with glutamic acid.
Molecular consequence: missense variant. On other transcripts: non-coding transcript variant (1), intron variant (1).
Genome position (GRCh38, 1-based): chr22:29,661,334, A>G. VCF-style: chr22-29661334-A-G. GRCh37 (hg19) VCF-style: chr22-30057323-A-G.
Other names: c.691A>G, p.Lys231Glu (NM_001407053.1, NM_001407056.1); c.682A>G, p.Lys228Glu (NM_001407054.1, NM_001407058.1, NM_181829.3); c.679A>G, p.Lys227Glu (NM_001407055.1, NM_181828.3); c.805A>G, p.Lys269Glu (NM_001407060.1, NM_001407066.1, NM_016418.5 and 2 more transcripts); c.556A>G, p.Lys186Glu (NM_001407063.1, NM_001407064.1, NM_181830.3 and 1 more transcripts); c.271A>G, p.Lys91Glu (NM_001407065.1); c.574A>G, p.Lys192Glu (NM_001407067.1); c.447+19049A>G (NM_181833.3); short protein forms K192E, K227E, K228E, K231E, K186E, K269E, K91E.
Identifiers: ClinVar variation 1761831 (VCV001761831.3), dbSNP rs2147011325, ClinGen allele CA411144199.